The following is an entry in ClinVar:

NM_206933.4(USH2A):c.8019G>A (p.Val2673=)

Gene: USH2A (usherin; minus strand). Cytogenetic location: 1q41.
Variant type: single nucleotide variant.
Coding change: c.8019G>A on transcript NM_206933.4 (MANE Select); coding-DNA position 8019, G replaced by A.
Protein change: p.Val2673=; no amino-acid change (valine 2673 retained).
Molecular consequence: synonymous variant.
Genome position (GRCh38, 1-based): chr1:215,888,630, C>T on the plus strand (G>A on the coding strand, the complement: USH2A is on the minus strand). VCF-style: chr1-215888630-C-T. GRCh37 (hg19) VCF-style: chr1-216061972-C-T.
Identifiers: ClinVar variation 1115868 (VCV001115868.12), dbSNP rs142601401, ClinGen allele CA1394702.

ClinVar aggregate classification (germline): Conflicting classifications of pathogenicity. Review status: criteria provided, conflicting classifications (1 of 4 stars). 3 submissions from 3 submitters: Uncertain significance (1); Likely benign (2). Last evaluated 2026-06-01.

Allele frequency attached by ClinVar (database versions not stated): TOPMed below 0.00001; gnomAD 0.00001; gnomAD exomes 0.00001; ExAC 0.00002.
gnomAD v4.1: 10 of 1,614,024 alleles (0.00062%); highest among the groups gnomAD compares: Non-Finnish European, 0.00085%; no homozygotes.

Submissions (3):

CeGaT Center for Human Genetics Tuebingen
Classification: Likely benign. Last evaluated: 2026-06-01. Review status: criteria provided, single submitter. Criteria: CeGaT Center For Human Genetics Tuebingen Variant Classification Criteria Version 2. Collection method: clinical testing. Allele origin: germline. Affected: yes. Observed: 1 variant allele.
Comment: USH2A: BP4, BP7

Labcorp Genetics (formerly Invitae), Labcorp
Classification: Likely benign. Last evaluated: 2024-01-18. Review status: criteria provided, single submitter. Criteria: Invitae Variant Classification Sherloc (09022015). Collection method: clinical testing. Allele origin: germline.

Blueprint Genetics
Classification: Uncertain significance. Last evaluated: 2023-07-28. Review status: criteria provided, single submitter. Criteria: ACMG Guidelines, 2015. Collection method: clinical testing. Allele origin: germline.